The following is an entry in ClinVar:

ClinVar aggregate classification (germline): Uncertain significance (1 of 4 stars; one submission).

Allele frequency attached by ClinVar (database versions not stated): gnomAD 0.00001; TOPMed 0.00001; gnomAD exomes 0.00002.
gnomAD v4.1: 28 of 1,612,058 alleles (0.0017%); highest among the groups gnomAD compares: East Asian, 0.056%; no homozygotes.

Submission:

Labcorp Genetics (formerly Invitae), Labcorp
Classification: Uncertain significance. Last evaluated: 2022-04-01. Review status: criteria provided, single submitter. Criteria: Invitae Variant Classification Sherloc (09022015). Collection method: clinical testing. Allele origin: germline.
Comment: Variants that disrupt the consensus splice site are a relatively common cause of aberrant splicing (PMID: 17576681, 9536098). Algorithms developed to predict the effect of sequence changes on RNA splicing suggest that this variant is not likely to affect RNA splicing. In summary, the available evidence is currently insufficient to determine the role of this variant in disease. Therefore, it has been classified as a Variant of Uncertain Significance. This variant has not been reported in the literature in individuals affected with XYLT2-related conditions. This variant is not present in population databases (gnomAD no frequency). This sequence change falls in intron 7 of the XYLT2 gene. It does not directly change the encoded amino acid sequence of the XYLT2 protein. It affects a nucleotide within the consensus splice site.

Literature cited by the submitters: PubMed 17576681; PubMed 9536098.

NM_022167.4(XYLT2):c.1482+3G>A

Gene: XYLT2 (xylosyltransferase 2; plus strand). Cytogenetic location: 17q21.33.
Variant type: single nucleotide variant.
Coding change: c.1482+3G>A on transcript NM_022167.4 (MANE Select); 3 bases into the intron after coding-DNA position 1482, G replaced by A.
Molecular consequence: intron variant.
Genome position (GRCh38, 1-based): chr17:50,356,264, G>A. VCF-style: chr17-50356264-G-A. GRCh37 (hg19) VCF-style: chr17-48433625-G-A.
Identifiers: ClinVar variation 2150273 (VCV002150273.3), dbSNP rs1598351654, ClinGen allele CA2263992619.